The following is an entry in ClinVar:

ClinVar aggregate classification (germline): Uncertain significance. Review status: criteria provided, multiple submitters, no conflicts (2 of 4 stars). 5 submissions from 5 submitters: Uncertain significance (4). 1 of the submissions does not count toward it. Last evaluated 2024-08-20.

Conditions:
SERPINA1-related disorder. Also called: SerpinA1-related disorders; SERPINA1-related condition.
Alpha-1-antitrypsin deficiency (A1ATD). Also called: Alpha1-Antitrypsin Deficiency; AAT deficiency; A1AT deficiency. Identifiers: Orphanet 60, MedGen C0221757, MONDO:0013282, OMIM 613490.

Allele frequency attached by ClinVar (database versions not stated): TOPMed 0.00037; gnomAD 0.00040 and 0.00041.

Submissions (5):

Blueprint Genetics
Classification: Uncertain significance. Last evaluated: 2024-08-20. Review status: criteria provided, single submitter. Criteria: ACMG Guidelines, 2015. Collection method: clinical testing. Allele origin: germline.

Fulgent Genetics
Classification: Uncertain significance for Alpha-1-antitrypsin deficiency. Last evaluated: 2022-01-06. Review status: criteria provided, single submitter. Criteria: ACMG Guidelines, 2015. Collection method: clinical testing. Allele origin: unknown.

Illumina Laboratory Services, Illumina
Classification: Uncertain significance for Alpha-1-antitrypsin deficiency. Last evaluated: 2018-01-12. Review status: criteria provided, single submitter. Criteria: ICSL Variant Classification Criteria 13 December 2019. Collection method: clinical testing. Allele origin: germline.

Eurofins Ntd Llc (ga)
Classification: Uncertain significance. Last evaluated: 2017-04-06. Review status: criteria provided, single submitter. Criteria: EGL Classification Definitions 2015. Collection method: clinical testing. Allele origin: germline. Observed: 2 variant alleles, 2 heterozygotes.

PreventionGenetics, part of Exact Sciences
Classification: Likely benign for SERPINA1-related condition. Last evaluated: 2019-04-25. Review status: no assertion criteria provided. Collection method: clinical testing. Allele origin: germline. Not counted in ClinVar's aggregate classification.
Comment: This variant is classified as likely benign based on ACMG/AMP sequence variant interpretation guidelines (Richards et al. 2015 PMID: 25741868, with internal and published modifications).

NM_000295.5(SERPINA1):c.-7A>G

Gene: SERPINA1 (serpin family A member 1; minus strand). Cytogenetic location: 14q32.13.
Variant type: single nucleotide variant.
Coding change: c.-7A>G on transcript NM_000295.5 (MANE Select); 7 bases upstream of the start codon, A replaced by G.
Molecular consequence: 5 prime UTR variant. On other transcripts: intron variant (2).
Genome position (GRCh38, 1-based): chr14:94,388,562, T>C on the plus strand (A>G on the coding strand, the complement: SERPINA1 is on the minus strand). VCF-style: chr14-94388562-T-C. GRCh37 (hg19) VCF-style: chr14-94854899-T-C.
Other names: c.-7A>G (NM_001002236.3, NM_001127701.2, NM_001127702.2 and 5 more transcripts); c.-5+1895A>G (NM_001002235.3); c.-5+1858A>G (NM_001127700.2).
Identifiers: ClinVar variation 315033 (VCV000315033.13), dbSNP rs559054925, ClinGen allele CA10641358.